The following is an entry in ClinVar:

NM_000260.4(MYO7A):c.5062C>G (p.Pro1688Ala)

Gene: MYO7A (myosin VIIA; plus strand). Cytogenetic location: 11q13.5.
Variant type: single nucleotide variant.
Coding change: c.5062C>G on transcript NM_000260.4 (MANE Select); coding-DNA position 5062, C replaced by G.
Protein change: p.Pro1688Ala; replaces proline 1688 with alanine.
Molecular consequence: missense variant.
Genome position (GRCh38, 1-based): chr11:77,202,318, C>G. VCF-style: chr11-77202318-C-G. GRCh37 (hg19) VCF-style: chr11-76913363-C-G.
Other names: c.4948C>G, p.Pro1650Ala (NM_001127180.2); c.4915C>G, p.Pro1639Ala (NM_001369365.1); short protein forms P1688A, P1639A, P1650A.
Identifiers: ClinVar variation 3010872 (VCV003010872.3), dbSNP rs1355345202, ClinGen allele CA381951546.

ClinVar aggregate classification (germline): Uncertain significance (1 of 4 stars; one submission).

Allele frequency attached by ClinVar (database versions not stated): TOPMed below 0.00001.
gnomAD v4.1: 1 of 1,586,458 alleles (0.000063%); no homozygotes.

Submission:

Labcorp Genetics (formerly Invitae), Labcorp
Classification: Uncertain significance. Last evaluated: 2023-11-03. Review status: criteria provided, single submitter. Criteria: Invitae Variant Classification Sherloc (09022015). Collection method: clinical testing. Allele origin: germline.
Comment: This sequence change replaces proline, which is neutral and non-polar, with alanine, which is neutral and non-polar, at codon 1688 of the MYO7A protein (p.Pro1688Ala). This variant is not present in population databases (gnomAD no frequency). This variant has not been reported in the literature in individuals affected with MYO7A-related conditions. Advanced modeling of protein sequence and biophysical properties (such as structural, functional, and spatial information, amino acid conservation, physicochemical variation, residue mobility, and thermodynamic stability) has been performed at Invitae for this missense variant, however the output from this modeling did not meet the statistical confidence thresholds required to predict the impact of this variant on MYO7A protein function. In summary, the available evidence is currently insufficient to determine the role of this variant in disease. Therefore, it has been classified as a Variant of Uncertain Significance.